The following is an entry in ClinVar:

ClinVar aggregate classification (germline): Likely pathogenic (1 of 4 stars; one submission).

Conditions:
Autism, susceptibility to, X-linked 1 (AUTSX1). Also called: Autism susceptibility, X-linked 1. Identifiers: MedGen C1845540, MONDO:0010321, OMIM 300425.

Submission:

3billion
Classification: Likely pathogenic for Autism, susceptibility to, X-linked 1. Last evaluated: 2024-07-17. Review status: criteria provided, single submitter. Criteria: ACMG Guidelines, 2015. Collection method: clinical testing. Allele origin: germline. Affected: yes.
Comment: The variant is not observed in the gnomAD v4.0.0 dataset. Predicted Consequence/Location: Frameshift: predicted to result in a loss or disruption of normal protein function through nonsense-mediated decay (NMD) or protein truncation. Multiple pathogenic variants are reported downstream of the variant. Therefore, this variant is classified as Likely pathogenic according to the recommendation of ACMG/AMP guideline.

NM_181303.2(NLGN3):c.422_423del (p.Cys141fs)

Gene: NLGN3 (neuroligin 3; plus strand). Cytogenetic location: Xq13.1.
Variant type: Deletion.
Coding change: c.422_423del on transcript NM_181303.2 (MANE Select); coding-DNA positions 422 to 423, 2 bases deleted (GT; older notation c.422_423delGT).
Protein change: p.Cys141fs; shifts the reading frame from cysteine 141.
Molecular consequence: frameshift variant.
Genome position (GRCh38, 1-based): chrX:71,148,171-71,148,172, GT deleted; deleting any 2 consecutive bases within chrX:71,148,170-71,148,172 gives the same sequence; the c. name uses the placement nearest the transcript's 3' end. VCF-style (leftmost placement, unchanged base first): chrX-71148169-CTG-C. GRCh37 (hg19) VCF-style: chrX-70368019-CTG-C.
Other names: c.422_423del, p.Cys141fs (NM_001166660.2, NM_018977.4); c.71_72del, p.Cys24fs (NM_001321276.2, NM_001437941.1, NM_001438296.1 and 1 more transcripts); short protein forms C141fs, C24fs.
Identifiers: ClinVar variation 4292970 (VCV004292970.1).